The following is an entry in ClinVar:

ClinVar aggregate classification (germline): Uncertain significance (1 of 4 stars; one submission).

Conditions:
Anauxetic dysplasia. Identifiers: Orphanet 93347, MedGen C1846796, MONDO:0011773.

Allele frequency attached by ClinVar (database versions not stated): gnomAD exomes 0.00001.
gnomAD v4.1: 3 of 698,808 alleles (0.00043%); highest among the groups gnomAD compares: Non-Finnish European, 0.00052%; no homozygotes.

Submission:

Labcorp Genetics (formerly Invitae), Labcorp
Classification: Uncertain significance for Anauxetic dysplasia. Last evaluated: 2025-04-16. Review status: criteria provided, single submitter. Criteria: Invitae Variant Classification Sherloc (09022015). Collection method: clinical testing. Allele origin: germline.
Comment: This variant occurs in the RMRP gene, which encodes an RNA molecule that does not result in a protein product. This variant is present in population databases (no rsID available, gnomAD no frequency). This variant has not been reported in the literature in individuals affected with RMRP-related conditions. ClinVar contains an entry for this variant (Variation ID: 837366). Experimental studies and prediction algorithms are not available or were not evaluated, and the functional significance of this variant is currently unknown. In summary, the available evidence is currently insufficient to determine the role of this variant in disease. Therefore, it has been classified as a Variant of Uncertain Significance.

NC_000009.12:g.35657995G>A

Gene: RMRP (RNA component of mitochondrial RNA processing endoribonuclease; minus strand). Cytogenetic location: 9p13.3.
Variant type: single nucleotide variant.
Genome position: GRCh38 VCF-style: chr9-35657995-G-A. GRCh37 (hg19) VCF-style: chr9-35657992-G-A.
Identifiers: ClinVar variation 837366 (VCV000837366.10), dbSNP rs1345823900, ClinGen allele CA464451032.